The following is an entry in ClinVar:

NM_017617.5(NOTCH1):c.5422G>A (p.Asp1808Asn)

Gene: NOTCH1 (notch receptor 1; minus strand). Cytogenetic location: 9q34.3.
Variant type: single nucleotide variant.
Coding change: c.5422G>A on transcript NM_017617.5 (MANE Select); coding-DNA position 5422, G replaced by A.
Protein change: p.Asp1808Asn; replaces aspartic acid 1808 with asparagine.
Molecular consequence: missense variant.
Genome position (GRCh38, 1-based): chr9:136,502,051, C>T on the plus strand (G>A on the coding strand, the complement: NOTCH1 is on the minus strand). VCF-style: chr9-136502051-C-T. GRCh37 (hg19) VCF-style: chr9-139396503-C-T.
Other names: short protein forms D1808N.
Identifiers: ClinVar variation 1367026 (VCV001367026.15), dbSNP rs571739078, ClinGen allele CA5340274.

ClinVar aggregate classification (germline): Conflicting classifications of pathogenicity. Review status: criteria provided, conflicting classifications (1 of 4 stars). 6 submissions from 6 submitters: Uncertain significance (5); Benign (1). Last evaluated 2025-12-24.

Conditions:
Adams-Oliver syndrome 5 (AOS5). Identifiers: Orphanet 974, MedGen C4014970, MONDO:0014459, OMIM 616028.
Aortic valve disease 1 (AOVD1). Identifiers: MedGen C3887892, MONDO:0024523, OMIM 109730.
Familial thoracic aortic aneurysm and aortic dissection (TAAD). Also called: Thoracic aortic aneurysms and dissections. Identifiers: Orphanet 91387, MedGen C4707243, MONDO:0019625.

Allele frequency attached by ClinVar (database versions not stated): gnomAD 0.00002 and 0.00003; ExAC 0.00003; gnomAD exomes 0.00004; TOPMed 0.00004; 1000 Genomes Project 30x 0.00016; 1000 Genomes Project 0.00020.
gnomAD v4.1: 50 of 1,613,326 alleles (0.0031%); highest among the groups gnomAD compares: East Asian, 0.078%; no homozygotes.

Submissions (6):

Labcorp Genetics (formerly Invitae), Labcorp
Classification: Benign for Adams-Oliver syndrome 5. Last evaluated: 2025-12-24. Review status: criteria provided, single submitter. Criteria: Invitae Variant Classification Sherloc (09022015). Collection method: clinical testing. Allele origin: germline.

Ambry Genetics
Classification: Uncertain significance for Familial thoracic aortic aneurysm and aortic dissection. Last evaluated: 2025-07-21. Review status: criteria provided, single submitter. Criteria: Ambry Variant Classification Scheme 2023. Collection method: clinical testing. Allele origin: germline.
Comment: The p.D1808N variant (also known as c.5422G>A), located in coding exon 29 of the NOTCH1 gene, results from a G to A substitution at nucleotide position 5422. The aspartic acid at codon 1808 is replaced by asparagine, an amino acid with highly similar properties. This variant was reported in individual(s) with features consistent with NOTCH1-related cardiovascular disorders (Li J et al. Mol Genet Genomic Med, 2021 Oct;9:e1800; Liang KW et al. Front Cardiovasc Med, 2022 Jun;9:911649; Song Y et al. Korean J Radiol, 2022 Jan;23:101-111; Ambry internal data). This amino acid position is well conserved in available vertebrate species. In addition, this alteration is predicted to be tolerated by in silico analysis. Based on the available evidence, the clinical significance of this variant remains unclear.

GeneDx
Classification: Uncertain significance. Last evaluated: 2024-08-22. Review status: criteria provided, single submitter. Criteria: GeneDx Variant Classification Process June 2021. Collection method: clinical testing. Allele origin: germline. Affected: yes.
Comment: Has been reported in association with TAAD and PAH, although some of these individuals had several variants in other genes (PMID: 34498425, 35811711, 34668355); In silico analysis indicates that this missense variant does not alter protein structure/function; This variant is associated with the following publications: (PMID: 34498425, 35811711, 34668355, 30111351)

ARUP Laboratories, Molecular Genetics and Genomics, ARUP Laboratories
Classification: Uncertain significance. Last evaluated: 2024-02-16. Review status: criteria provided, single submitter. Criteria: ARUP Molecular Germline Variant Investigation Process 2024. Collection method: clinical testing. Allele origin: germline.
Comment: The NOTCH1 c.5422G>A; p.Asp1808Asn variant (rs571739078) is reported in the literature in individuals affected with thoracic aortic aneurysm and dissection, pulmonary arterial hypertension, and intracranial aneurysm (Li 2021, Liang 2022, Song 2022). This variant is reported in ClinVar (Variation ID: 1367026). This variant is found in the general population with an overall allele frequency of 0.004% (12/280,046 alleles) in the Genome Aggregation Database (v2.1.1), but is considered a low confidence variant in the database. Computational analyses are uncertain whether this variant is neutral or deleterious (REVEL: 0.381). Due to limited information, the clinical significance of this variant is uncertain at this time. References: Li J et al. Genetic testing and clinical relevance of patients with thoracic aortic aneurysm and dissection in northwestern China. Mol Genet Genomic Med. 2021 Oct;9(10):e1800. PMID: 34498425. Liang KW et al. Whole Exome Sequencing of Patients With Heritable and Idiopathic Pulmonary Arterial Hypertension in Central Taiwan. Front Cardiovasc Med. 2022 Jun 22;9:911649. PMID: 35811711. Song Y et al. Whole Exome Sequencing in Patients with Phenotypically Associated Familial Intracranial Aneurysm. Korean J Radiol. 2022 Jan;23(1):101-111. PMID: 34668355.

Department of Pathology and Laboratory Medicine, Sinai Health System
Classification: Uncertain significance for Aortic valve disease 1; Adams-Oliver syndrome 5. Last evaluated: 2022-05-06. Review status: criteria provided, single submitter. Criteria: ACMG Guidelines, 2015. Collection method: research. Allele origin: germline.

Fulgent Genetics
Classification: Uncertain significance for Aortic valve disease 1; Adams-Oliver syndrome 5. Last evaluated: 2021-10-11. Review status: criteria provided, single submitter. Criteria: ACMG Guidelines, 2015. Collection method: clinical testing. Allele origin: unknown.

Literature cited by the submitters: PubMed 34498425 (cited by Ambry Genetics); PubMed 34668355 (cited by Ambry Genetics); PubMed 35811711 (cited by Ambry Genetics).